The following is an entry in ClinVar:

ClinVar aggregate classification (germline): Likely benign. Review status: criteria provided, multiple submitters, no conflicts (2 of 4 stars). 2 submissions from 2 submitters: Likely benign (2). Last evaluated 2018-06-18.

Allele frequency attached by ClinVar (database versions not stated): TOPMed 0.01494; gnomAD 0.01602 and 0.01841; gnomAD exomes 0.02406; 1000 Genomes Project 30x 0.03154; 1000 Genomes Project 0.03315.
gnomAD v4.1: 16,108 of 704,514 alleles (2.3%); highest among the groups gnomAD compares: South Asian, 6.6%; 354 homozygotes.

Submissions (2):

GeneDx
Classification: Likely benign. Last evaluated: 2018-06-18. Review status: criteria provided, single submitter. Criteria: GeneDx Variant Classification (06012015). Collection method: clinical testing. Allele origin: germline. Affected: yes.
Comment: This variant is considered likely benign or benign based on one or more of the following criteria: it is a conservative change, it occurs at a poorly conserved position in the protein, it is predicted to be benign by multiple in silico algorithms, and/or has population frequency not consistent with disease.

Breakthrough Genomics
Classification: Likely benign. Review status: criteria provided, single submitter. Criteria: ACMG Guidelines, 2015. Collection method: not provided. Allele origin: germline. Inheritance: Autosomal recessive inheritance. Affected: yes.

NM_001256545.2(MEGF10):c.918-148T>C

Gene: MEGF10 (multiple EGF like domains 10; plus strand). Cytogenetic location: 5q23.2.
Variant type: single nucleotide variant.
Coding change: c.918-148T>C on transcript NM_001256545.2 (MANE Select); 148 bases into the intron before coding-DNA position 918, T replaced by C.
Molecular consequence: intron variant.
Genome position (GRCh38, 1-based): chr5:127,410,241, T>C. VCF-style: chr5-127410241-T-C. GRCh37 (hg19) VCF-style: chr5-126745933-T-C.
Other names: c.918-148T>C (NM_032446.3, NM_001308119.2, NM_001308121.2).
Identifiers: ClinVar variation 672407 (VCV000672407.2), dbSNP rs77896531, ClinGen allele CA126939222.